The following is an entry in ClinVar:

NM_000090.4(COL3A1):c.307G>A (p.Gly103Arg)

Gene: COL3A1 (collagen type III alpha 1 chain; plus strand). Cytogenetic location: 2q32.2.
Variant type: single nucleotide variant.
Coding change: c.307G>A on transcript NM_000090.4 (MANE Select); coding-DNA position 307, G replaced by A.
Protein change: p.Gly103Arg; replaces glycine 103 with arginine.
Molecular consequence: missense variant.
Genome position (GRCh38, 1-based): chr2:188,985,221, G>A. VCF-style: chr2-188985221-G-A. GRCh37 (hg19) VCF-style: chr2-189849947-G-A.
Other names: short protein forms G103R.
Identifiers: ClinVar variation 3073802 (VCV003073802.1), dbSNP rs2469107150, ClinGen allele CA349847571.

ClinVar aggregate classification (germline): Uncertain significance (1 of 4 stars; one submission).

Conditions:
Ehlers-Danlos syndrome, type 4 (EDSVASC). Also called: Ehlers-Danlos Syndrome Type IV; Ehlers-Danlos syndrome vascular type; Ehlers Danlos syndrome, ecchymotic type; Ehlers Danlos syndrome, arterial type; Ehlers Danlos syndrome, Sack-Barabas type. Identifiers: Orphanet 286, MedGen C0268338, MONDO:0017314, OMIM 130050.

gnomAD v4.1: 2 of 1,612,262 alleles (0.00012%); highest among the groups gnomAD compares: Non-Finnish European, 0.00017%; no homozygotes.

Submission:

All of Us Research Program, National Institutes of Health
Classification: Uncertain significance for Ehlers-Danlos syndrome, type 4. Last evaluated: 2023-10-06. Review status: criteria provided, single submitter. Criteria: ACMG Guidelines, 2015. Collection method: clinical testing. Allele origin: germline. Inheritance: Autosomal dominant inheritance. Observed: 1 variant allele, 1 heterozygote.
Comment: This missense variant replaces glycine with arginine at codon 103 of the COL3A1 protein. Computational prediction suggests that this variant may not impact protein structure and function (internally defined REVEL score threshold <= 0.5, PMID: 27666373). To our knowledge, functional studies have not been reported for this variant. This variant has not been reported in individuals affected with COL3A1-related disorders in the literature. This variant has not been identified in the general population by the Genome Aggregation Database (gnomAD). The available evidence is insufficient to determine the role of this variant in disease conclusively. Therefore, this variant is classified as a Variant of Uncertain Significance.

This study involves interpretation of variants in research participants for the purpose of population health screening. Participant phenotype was not available at the time of variant classification. Additional details can be found in publication PMID: 35346344, PMCID: PMC8962531